The following is an entry in ClinVar:

NM_001111125.3(IQSEC2):c.862G>A (p.Val288Met)

Gene: IQSEC2 (IQ motif and Sec7 domain ArfGEF 2; minus strand). Cytogenetic location: Xp11.22.
Variant type: single nucleotide variant.
Coding change: c.862G>A on transcript NM_001111125.3 (MANE Select); coding-DNA position 862, G replaced by A.
Protein change: p.Val288Met; replaces valine 288 with methionine.
Molecular consequence: missense variant.
Genome position (GRCh38, 1-based): chrX:53,255,937, C>T on the plus strand (G>A on the coding strand, the complement: IQSEC2 is on the minus strand). VCF-style: chrX-53255937-C-T. GRCh37 (hg19) VCF-style: chrX-53285119-C-T.
Other names: c.862G>A, p.Val288Met (NM_001410736.1); c.247G>A, p.Val83Met (NM_015075.2); short protein forms V288M, V83M.
Identifiers: ClinVar variation 2121633 (VCV002121633.4), dbSNP rs2519852053, ClinGen allele CA413171745.

ClinVar aggregate classification (germline): Uncertain significance (1 of 4 stars; one submission).

Conditions:
Intellectual developmental disorder, X-linked 1. Also called: Atkin Flaitz Patil Smith syndrome; Intellectual disability, X-linked 1; MENTAL RETARDATION, X-LINKED 18; MENTAL RETARDATION, X-LINKED 78. Identifiers: Orphanet 777, MedGen C2931498, MONDO:0010656, OMIM 309530.

gnomAD v4.1: 1 of 1,202,376 alleles (0.000083%); no homozygotes.

Submission:

Labcorp Genetics (formerly Invitae), Labcorp
Classification: Uncertain significance for Intellectual developmental disorder, X-linked 1. Last evaluated: 2022-08-09. Review status: criteria provided, single submitter. Criteria: Invitae Variant Classification Sherloc (09022015). Collection method: clinical testing. Allele origin: germline.
Comment: In summary, the available evidence is currently insufficient to determine the role of this variant in disease. Therefore, it has been classified as a Variant of Uncertain Significance. Advanced modeling of protein sequence and biophysical properties (such as structural, functional, and spatial information, amino acid conservation, physicochemical variation, residue mobility, and thermodynamic stability) performed at Invitae indicates that this missense variant is not expected to disrupt IQSEC2 protein function. This variant has not been reported in the literature in individuals affected with IQSEC2-related conditions. This variant is not present in population databases (gnomAD no frequency). This sequence change replaces valine, which is neutral and non-polar, with methionine, which is neutral and non-polar, at codon 288 of the IQSEC2 protein (p.Val288Met).